The following is an entry in ClinVar:

ClinVar aggregate classification (germline): Benign (1 of 4 stars; one submission).

Conditions:
Cataract 1 multiple types. Also called: CATARACT, DUFFY-LINKED; CATARACT 1, POSTERIOR SUBCAPSULAR, WITH MICROCORNEA; CATARACT 1, STELLATE NUCLEAR, WITH MICROCORNEA; CATARACT 1, NUCLEAR PROGRESSIVE; CATARACT 1 WITH MICROCORNEA; CATARACT 1, MULTIPLE TYPES, WITH OR WITHOUT MICROCORNEA. Identifiers: Orphanet 1377, MedGen C1861828, MONDO:0007285, OMIM 116200.

Allele frequency attached by ClinVar (database versions not stated): TOPMed 0.00002; gnomAD 0.00003 and 0.00004; gnomAD exomes 0.00008 and 0.00010; ExAC 0.00013; 1000 Genomes Project 30x 0.00016; 1000 Genomes Project 0.00020.
gnomAD v4.1: 146 of 1,614,186 alleles (0.009%); highest among the groups gnomAD compares: East Asian, 0.32%; 1 homozygote.

Submission:

Illumina Laboratory Services, Illumina
Classification: Benign for Cataract 1 multiple types. Last evaluated: 2018-01-13. Review status: criteria provided, single submitter. Criteria: ICSL Variant Classification Criteria 13 December 2019. Collection method: clinical testing. Allele origin: germline.
Comment: This variant was observed in the ICSL laboratory as part of a predisposition screen in an ostensibly healthy population. It had not been previously curated by ICSL or reported in the Human Gene Mutation Database (HGMD: prior to June 1st, 2018), and was therefore a candidate for classification through an automated scoring system. Utilizing variant allele frequency, disease prevalence and penetrance estimates, and inheritance mode, an automated score was calculated to assess if this variant is too frequent to cause the disease. Based on the score and internal cut-off values, a variant classified as benign is not then subjected to further curation. The score for this variant resulted in a classification of benign for this disease.

NM_005267.5(GJA8):c.356G>A (p.Gly119Glu)

Gene: GJA8 (gap junction protein alpha 8; plus strand). Cytogenetic location: 1q21.2.
Variant type: single nucleotide variant.
Coding change: c.356G>A on transcript NM_005267.5 (MANE Select); coding-DNA position 356, G replaced by A.
Protein change: p.Gly119Glu; replaces glycine 119 with glutamic acid.
Molecular consequence: missense variant.
Genome position (GRCh38, 1-based): chr1:147,908,311, G>A. VCF-style: chr1-147908311-G-A. GRCh37 (hg19) VCF-style: chr1-147380438-G-A.
Other names: short protein forms G119E.
Identifiers: ClinVar variation 876077 (VCV000876077.4), dbSNP rs200587705, ClinGen allele CA1065925.
Genomic context (GRCh38, chr1:147,908,311, plus strand): 5'-ACGTCCGCATGGAGGAGAAGCGCAAAAGCCGCGAGGCGGAGGAGCTGGGCCAGCAGGCGG[G>A]GACTAACGGCGGCCCGGACCAGGGCAGCGTCAAGAAGAGCAGCGGCAGCAAAGGCACTAA-3'
Protein context (NP_005258.2, residues 109-129): REAEELGQQA[Gly119Glu]TNGGPDQGSV